The following is an entry in ClinVar:

ClinVar aggregate classification (germline): Likely benign. Review status: criteria provided, multiple submitters, no conflicts (2 of 4 stars). 7 submissions from 7 submitters: Likely benign (4). 3 of the submissions do not count toward it. Last evaluated 2026-01-09.

Conditions:
Cardiovascular phenotype. Identifiers: MedGen CN230736.
ALPK3-related disorder. Also called: ALPK3-related condition.

Allele frequency attached by ClinVar (database versions not stated): ESP Exome Variant Server 0.00015.
gnomAD v4.1: 217 of 1,613,830 alleles (0.013%); highest among the groups gnomAD compares: Non-Finnish European, 0.018%; no homozygotes.

Submissions (7):

Labcorp Genetics (formerly Invitae), Labcorp
Classification: Likely benign. Last evaluated: 2026-01-09. Review status: criteria provided, single submitter. Criteria: Invitae Variant Classification Sherloc (09022015). Collection method: clinical testing. Allele origin: germline.

Blueprint Genetics
Classification: Likely benign. Last evaluated: 2024-10-17. Review status: criteria provided, single submitter. Criteria: ACMG Guidelines, 2015. Collection method: clinical testing. Allele origin: germline.

GeneDx
Classification: Likely benign. Last evaluated: 2021-03-06. Review status: criteria provided, single submitter. Criteria: GeneDx Variant Classification Process June 2021. Collection method: clinical testing. Allele origin: germline. Affected: yes.

Ambry Genetics
Classification: Likely benign for Cardiovascular phenotype. Last evaluated: 2019-08-29. Review status: criteria provided, single submitter. Criteria: Ambry Variant Classification Scheme 2023. Collection method: clinical testing. Allele origin: germline.

PreventionGenetics, part of Exact Sciences
Classification: Likely benign for ALPK3-related condition. Last evaluated: 2020-09-08. Review status: no assertion criteria provided. Collection method: clinical testing. Allele origin: germline. Not counted in ClinVar's aggregate classification.
Comment: This variant is classified as likely benign based on ACMG/AMP sequence variant interpretation guidelines (Richards et al. 2015 PMID: 25741868, with internal and published modifications).

Clinical Genetics DNA and cytogenetics Diagnostics Lab, Erasmus MC, Erasmus Medical Center
Classification: Likely benign. Review status: no assertion criteria provided. Collection method: clinical testing. Allele origin: germline. Affected: yes. Study: VKGL Data-share Consensus. Not counted in ClinVar's aggregate classification.

Clinical Genetics, Academic Medical Center
Classification: Benign. Review status: no assertion criteria provided. Collection method: clinical testing. Allele origin: germline. Affected: yes. Study: VKGL Data-share Consensus. Not counted in ClinVar's aggregate classification.

NM_020778.5(ALPK3):c.624G>C (p.Gly208=)

Gene: ALPK3 (alpha kinase 3; plus strand). Cytogenetic location: 15q25.3.
Variant type: single nucleotide variant.
Coding change: c.624G>C on transcript NM_020778.5 (MANE Select); coding-DNA position 624, G replaced by C.
Protein change: p.Gly208=; no amino-acid change (glycine 208 retained).
Molecular consequence: synonymous variant.
Genome position (GRCh38, 1-based): chr15:84,839,903, G>C. VCF-style: chr15-84839903-G-C. GRCh37 (hg19) VCF-style: chr15-85383134-G-C.
Identifiers: ClinVar variation 1218272 (VCV001218272.18), dbSNP rs145003820, ClinGen allele CA7709017.